The following is an entry in ClinVar:

ClinVar aggregate classification (germline): Likely benign (1 of 4 stars; one submission).

Submission:

CeGaT Center for Human Genetics Tuebingen
Classification: Likely benign. Last evaluated: 2022-09-01. Review status: criteria provided, single submitter. Criteria: CeGaT Center For Human Genetics Tuebingen Variant Classification Criteria Version 2. Collection method: clinical testing. Allele origin: germline. Affected: yes. Observed: 1 variant allele.
Comment: TBC1D3: BP4, BP7; TBC1D3G: BP4, BP7; TBC1D3L: BP4, BP7

NM_001123391.4(TBC1D3):c.879C>T (p.Gly293=)

Genes: TBC1D3 (TBC1 domain family member 3; minus strand), TBC1D3L (TBC1 domain family member 3L; minus strand). Cytogenetic location: 17q12.
Variant type: single nucleotide variant.
Coding change: c.879C>T on transcript NM_001123391.4 (MANE Select); coding-DNA position 879, C replaced by T.
Protein change: p.Gly293=; no amino-acid change (glycine 293 retained).
Molecular consequence: synonymous variant.
Genome position (GRCh38, 1-based): chr17:38,184,096, G>A on the plus strand (C>T on the coding strand, the complement: TBC1D3 is on the minus strand). VCF-style: chr17-38184096-G-A. GRCh37 (hg19) VCF-style: chr17-36340148-G-A.
Identifiers: ClinVar variation 2647697 (VCV002647697.24), dbSNP rs1445143796, ClinGen allele CA771680462.
Genomic context (GRCh38, chr17:38,184,096, plus strand): 5'-CGTAGACTTACTCTGCTGAACCTTAAAGGCGATTCTTGTTATCGGCATCAACGCCTGTTC[G>A]CCTTCTACCAGATACACGTCCCACAGGCGCAGGGTGAGCCCGAGAGAGATCTGTGGGGAC-3'
Protein context (NP_001116863.3, residues 283-303): LRLWDVYLVE[Gly293=]EQALMPITRI